The following is an entry in ClinVar:

ClinVar aggregate classification (germline): Pathogenic. Review status: criteria provided, multiple submitters, no conflicts (2 of 4 stars). 3 submissions from 3 submitters: Pathogenic (2). 1 of the submissions does not count toward it. Last evaluated 2022-10-01.

Conditions:
SLC25A46-related disorder. Also called: SLC25A46-related condition.
Neuropathy, hereditary motor and sensory, type 6B (HMSN6B). Also called: HMSN VIB; CHARCOT-MARIE-TOOTH DISEASE, TYPE 6B; Neuropathy, hereditary motor and sensory, type VIB; NEUROPATHY, HEREDITARY MOTOR AND SENSORY, TYPE VIB, WITH OPTIC ATROPHY. Identifiers: MedGen C4225302, MONDO:0014671, OMIM 616505.

Allele frequency attached by ClinVar (database versions not stated): gnomAD 0.00001; gnomAD exomes 0.00001 and 0.00002; TOPMed 0.00001.

Submissions (3):

Labcorp Genetics (formerly Invitae), Labcorp
Classification: Pathogenic for Neuropathy, hereditary motor and sensory, type 6B. Last evaluated: 2022-10-01. Review status: criteria provided, single submitter. Criteria: Invitae Variant Classification Sherloc (09022015). Collection method: clinical testing. Allele origin: germline.
Comment: For these reasons, this variant has been classified as Pathogenic. ClinVar contains an entry for this variant (Variation ID: 372237). This premature translational stop signal has been observed in individual(s) with clinical features of Charcot-Marie-Tooth disease (PMID: 26168012). This variant is present in population databases (no rsID available, gnomAD 0.001%). This sequence change creates a premature translational stop signal (p.His56Profs*40) in the SLC25A46 gene. It is expected to result in an absent or disrupted protein product. Loss-of-function variants in SLC25A46 are known to be pathogenic (PMID: 26168012, 26951855, 27543974).

Blueprint Genetics
Classification: Pathogenic for SLC25A46-related disorders. Last evaluated: 2018-11-14. Review status: criteria provided, single submitter. Criteria: ACMG Guidelines, 2015. Collection method: clinical testing. Allele origin: germline. Affected: yes. Observed: 1 variant allele.

OMIM
Classification: Pathogenic for NEUROPATHY, HEREDITARY MOTOR AND SENSORY, TYPE VIB. Last evaluated: 2017-01-14. Review status: no assertion criteria provided. Collection method: literature only. Allele origin: germline. Not counted in ClinVar's aggregate classification.

Literature cited by the submitters: PubMed 26168012 (cited by Labcorp Genetics (formerly Invitae), Labcorp and OMIM); PubMed 26951855 (cited by Labcorp Genetics (formerly Invitae), Labcorp); PubMed 27543974 (cited by Labcorp Genetics (formerly Invitae), Labcorp).

NM_138773.4(SLC25A46):c.166dup (p.His56fs)

Gene: SLC25A46 (solute carrier family 25 member 46; plus strand). Cytogenetic location: 5q22.1.
Variant type: Duplication.
Coding change: c.166dup on transcript NM_138773.4 (MANE Select); coding-DNA position 166, one base duplicated (C; older notation c.166dupC).
Protein change: p.His56fs; shifts the reading frame from histidine 56.
Molecular consequence: frameshift variant. On other transcripts: non-coding transcript variant (1), intron variant (1).
Genome position (GRCh38, 1-based): chr5:110,739,285, C duplicated. VCF-style (leftmost placement, unchanged base first): chr5-110739284-G-GC. GRCh37 (hg19) VCF-style: chr5-110074985-G-GC.
Other names: c.166dup, p.His56fs (NM_001303249.3); c.10+1038dup (NM_001303250.3); short protein forms H56fs.
Identifiers: ClinVar variation 372237 (VCV000372237.8), dbSNP rs1057519416, ClinGen allele CA16044170.
Genomic context (GRCh38, chr5:110,739,284, plus strand): 5'-CGGGTCGGACCTGGGCCACTGGGTGACGACTCCCCCAGATATCCCCGGCAGCCGCAACCT[G>GC]CACTGGGGCGAGAAGAGCCCGCCCTACGGCGTGCCCACCACCTCCACCCCGTACGAAGGC-3'